The following is an entry in ClinVar:

NM_001042492.3(NF1):c.1421G>C (p.Ser474Thr)

Gene: NF1 (neurofibromin 1; plus strand). Cytogenetic location: 17q11.2.
Variant type: single nucleotide variant.
Coding change: c.1421G>C on transcript NM_001042492.3 (MANE Select); coding-DNA position 1421, G replaced by C.
Protein change: p.Ser474Thr; replaces serine 474 with threonine.
Molecular consequence: missense variant.
Genome position (GRCh38, 1-based): chr17:31,214,479, G>C. VCF-style: chr17-31214479-G-C. GRCh37 (hg19) VCF-style: chr17-29541497-G-C.
Other names: c.1421G>C, p.Ser474Thr (NM_000267.4, NM_001128147.3); short protein forms S474T.
Identifiers: ClinVar variation 945063 (VCV000945063.7), dbSNP rs2066785879, ClinGen allele CA399001471.

ClinVar aggregate classification (germline): Uncertain significance. Review status: criteria provided, multiple submitters, no conflicts (2 of 4 stars). 2 submissions from 2 submitters: Uncertain significance (2). Last evaluated 2026-07-10.

Conditions:
Hereditary cancer-predisposing syndrome. Also called: Neoplastic Syndromes, Hereditary; Hereditary Cancer Syndrome; Tumor predisposition; Hereditary neoplastic syndrome. Identifiers: Orphanet 140162, MedGen C0027672, MeSH D009386, MONDO:0015356.
Cardiovascular phenotype. Identifiers: MedGen CN230736.
Neurofibromatosis, type 1 (NF1). Also called: Peripheral type neurofibromatosis; VON RECKLINGHAUSEN DISEASE; Neurofibromatosis, type I; NEUROFIBROMATOSIS, TYPE I, SOMATIC. Identifiers: Orphanet 636, MedGen C0027831, MONDO:0018975, OMIM 162200. Disease mechanism: loss of function.

gnomAD v4.1: 10 of 1,604,510 alleles (0.00062%); highest among the groups gnomAD compares: Non-Finnish European, 0.00085%; no homozygotes.

Submissions (2):

Ambry Genetics
Classification: Uncertain significance for Cardiovascular phenotype; Hereditary cancer-predisposing syndrome. Last evaluated: 2026-07-10. Review status: criteria provided, single submitter. Criteria: Ambry Variant Classification Scheme 2023. Collection method: clinical testing. Allele origin: germline.
Comment: The p.S474T variant (also known as c.1421G>C), located in coding exon 13 of the NF1 gene, results from a G to C substitution at nucleotide position 1421. The serine at codon 474 is replaced by threonine, an amino acid with similar properties. This amino acid position is conserved. In addition, this alteration is predicted to be tolerated by in silico analysis. Based on the available evidence, the clinical significance of this variant remains unclear.

Labcorp Genetics (formerly Invitae), Labcorp
Classification: Uncertain significance for Neurofibromatosis, type 1. Last evaluated: 2025-05-19. Review status: criteria provided, single submitter. Criteria: Invitae Variant Classification Sherloc (09022015). Collection method: clinical testing. Allele origin: germline.
Comment: This sequence change replaces serine, which is neutral and polar, with threonine, which is neutral and polar, at codon 474 of the NF1 protein (p.Ser474Thr). This variant is not present in population databases (gnomAD no frequency). This variant has not been reported in the literature in individuals affected with NF1-related conditions. ClinVar contains an entry for this variant (Variation ID: 945063). Invitae Evidence Modeling of protein sequence and biophysical properties (such as structural, functional, and spatial information, amino acid conservation, physicochemical variation, residue mobility, and thermodynamic stability) indicates that this missense variant is not expected to disrupt NF1 protein function with a negative predictive value of 95%. In summary, the available evidence is currently insufficient to determine the role of this variant in disease. Therefore, it has been classified as a Variant of Uncertain Significance.